The following is an entry in ClinVar:

NM_000283.4(PDE6B):c.1862G>T (p.Gly621Val)

Gene: PDE6B (phosphodiesterase 6B; plus strand). Cytogenetic location: 4p16.3.
Variant type: single nucleotide variant.
Coding change: c.1862G>T on transcript NM_000283.4 (MANE Select); coding-DNA position 1862, G replaced by T.
Protein change: p.Gly621Val; replaces glycine 621 with valine.
Molecular consequence: missense variant.
Genome position (GRCh38, 1-based): chr4:663,129, G>T. VCF-style: chr4-663129-G-T. GRCh37 (hg19) VCF-style: chr4-656918-G-T.
Other names: c.1862G>T, p.Gly621Val (NM_001145291.2); c.1025G>T, p.Gly342Val (NM_001145292.2, NM_001350154.3, NM_001379246.1 and 1 more transcripts); c.707G>T, p.Gly236Val (NM_001350155.3); short protein forms G236V, G342V, G621V.
Identifiers: ClinVar variation 2969464 (VCV002969464.3), dbSNP rs1452663775, ClinGen allele CA355917804.

ClinVar aggregate classification (germline): Uncertain significance (1 of 4 stars; one submission).

gnomAD v4.1: 11 of 1,612,182 alleles (0.00068%); highest among the groups gnomAD compares: South Asian, 0.0055%; no homozygotes.

Submission:

Labcorp Genetics (formerly Invitae), Labcorp
Classification: Uncertain significance. Last evaluated: 2023-07-21. Review status: criteria provided, single submitter. Criteria: Invitae Variant Classification Sherloc (09022015). Collection method: clinical testing. Allele origin: germline.
Comment: Advanced modeling of protein sequence and biophysical properties (such as structural, functional, and spatial information, amino acid conservation, physicochemical variation, residue mobility, and thermodynamic stability) performed at Invitae indicates that this missense variant is expected to disrupt PDE6B protein function. In summary, the available evidence is currently insufficient to determine the role of this variant in disease. Therefore, it has been classified as a Variant of Uncertain Significance. This variant has not been reported in the literature in individuals affected with PDE6B-related conditions. This variant is not present in population databases (gnomAD no frequency). This sequence change replaces glycine, which is neutral and non-polar, with valine, which is neutral and non-polar, at codon 621 of the PDE6B protein (p.Gly621Val).